The following is an entry in ClinVar:

NM_001128840.3(CACNA1D):c.222C>T (p.Pro74=)

Gene: CACNA1D (calcium voltage-gated channel subunit alpha1 D; plus strand). Cytogenetic location: 3p21.1.
Variant type: single nucleotide variant.
Coding change: c.222C>T on transcript NM_001128840.3 (MANE Select); coding-DNA position 222, C replaced by T.
Protein change: p.Pro74=; no amino-acid change (proline 74 retained).
Molecular consequence: synonymous variant.
Genome position (GRCh38, 1-based): chr3:53,497,306, C>T. VCF-style: chr3-53497306-C-T. GRCh37 (hg19) VCF-style: chr3-53531333-C-T.
Other names: c.222C>T, p.Pro74= (NM_000720.4, NM_001128839.3).
Identifiers: ClinVar variation 504764 (VCV000504764.29), dbSNP rs140749530, ClinGen allele CA2453644.
Genomic context (GRCh38, chr3:53,497,306, plus strand): 5'-AGCTGCAATCGATGCTGCTAGACAGGCCAAGGCTGCCCAAACTATGAGCACCTCTGCACC[C>T]CCACCTGTAGGATCTCTCTCCCAAAGAAAACGTCAGCAATACGCCAAGAGCAAAAAACAG-3'
Protein context (NP_001122312.1, residues 64-84): KAAQTMSTSA[Pro74=]PPVGSLSQRK

ClinVar aggregate classification (germline): Likely benign. Review status: criteria provided, multiple submitters, no conflicts (2 of 4 stars). 8 submissions from 8 submitters: Likely benign (7). 1 of the submissions does not count toward it. Last evaluated 2026-03-01.

Conditions:
CACNA1D-related disorder.
Aldosterone-producing adenoma with seizures and neurological abnormalities. Also called: Primary aldosteronism, seizures, and neurologic abnormalities. Identifiers: Orphanet 369929, MedGen C3809609, MONDO:0014200, OMIM 615474.
Sinoatrial node dysfunction and deafness (SANDD). Identifiers: Orphanet 324321, MedGen C3554018, MONDO:0013960, OMIM 614896.

Allele frequency attached by ClinVar (database versions not stated): gnomAD exomes 0.00039; ExAC 0.00042; TOPMed 0.00045; gnomAD 0.00052 and 0.00053; ESP Exome Variant Server 0.00100.
gnomAD v4.1: 1,350 of 1,614,024 alleles (0.084%); highest among the groups gnomAD compares: Non-Finnish European, 0.11%; 2 homozygotes.

Submissions (8):

CeGaT Center for Human Genetics Tuebingen
Classification: Likely benign. Last evaluated: 2026-03-01. Review status: criteria provided, single submitter. Criteria: CeGaT Center For Human Genetics Tuebingen Variant Classification Criteria Version 2. Collection method: clinical testing. Allele origin: germline. Affected: yes. Observed: 1 variant allele.
Comment: CACNA1D: BP4

Labcorp Genetics (formerly Invitae), Labcorp
Classification: Likely benign. Last evaluated: 2026-01-04. Review status: criteria provided, single submitter. Criteria: Invitae Variant Classification Sherloc (09022015). Collection method: clinical testing. Allele origin: germline.

Blueprint Genetics
Classification: Likely benign. Last evaluated: 2024-08-27. Review status: criteria provided, single submitter. Criteria: ACMG Guidelines, 2015. Collection method: clinical testing. Allele origin: germline.

Fulgent Genetics
Classification: Likely benign for Sinoatrial node dysfunction and deafness; Aldosterone-producing adenoma with seizures and neurological abnormalities. Last evaluated: 2021-08-31. Review status: criteria provided, single submitter. Criteria: ACMG Guidelines, 2015. Collection method: clinical testing. Allele origin: unknown.

GeneDx
Classification: Likely benign. Last evaluated: 2020-12-17. Review status: criteria provided, single submitter. Criteria: GeneDx Variant Classification Process June 2021. Collection method: clinical testing. Allele origin: germline. Affected: yes.

Genetic Services Laboratory, University of Chicago
Classification: Likely benign. Last evaluated: 2019-07-22. Review status: criteria provided, single submitter. Criteria: ACMG Guidelines, 2015. Collection method: clinical testing. Allele origin: germline. Affected: no.

Laboratory for Molecular Medicine, Mass General Brigham Personalized Medicine
Classification: Likely benign. Last evaluated: 2016-06-30. Review status: criteria provided, single submitter. Criteria: LMM Criteria. Collection method: clinical testing. Allele origin: germline. Observed: 1 variant allele.
Comment: p.Pro74Pro in exon 2 of CACNA1D: This variant is not expected to have clinical s ignificance because it does not alter an amino acid residue and is not located w ithin the splice consensus sequence. It has been identified in 44/66732 of Europ ean chromosomes by the Exome Aggregation Consortium (ExAC; dbSNP rs140749530).

PreventionGenetics, part of Exact Sciences
Classification: Likely benign for CACNA1D-related condition. Last evaluated: 2020-01-24. Review status: no assertion criteria provided. Collection method: clinical testing. Allele origin: germline. Not counted in ClinVar's aggregate classification.
Comment: This variant is classified as likely benign based on ACMG/AMP sequence variant interpretation guidelines (Richards et al. 2015 PMID: 25741868, with internal and published modifications).